The following is an entry in ClinVar:

ClinVar aggregate classification (germline): Likely benign (1 of 4 stars; one submission).

gnomAD v4.1: 76 of 1,578,192 alleles (0.0048%); highest among the groups gnomAD compares: Admixed American, 0.017%; no homozygotes.

Submission:

CeGaT Center for Human Genetics Tuebingen
Classification: Likely benign. Last evaluated: 2026-09-01. Review status: criteria provided, single submitter. Criteria: CeGaT Center For Human Genetics Tuebingen Variant Classification Criteria Version 2. Collection method: clinical testing. Allele origin: germline. Affected: yes. Observed: 1 variant allele.
Comment: RTL1: BP4, BP7

NM_001134888.3(RTL1):c.3084G>A (p.Thr1028=)

Gene: RTL1 (retrotransposon Gag like 1; minus strand). Cytogenetic location: 14q32.2.
Variant type: single nucleotide variant.
Coding change: c.3084G>A on transcript NM_001134888.3 (MANE Select); coding-DNA position 3084, G replaced by A.
Protein change: p.Thr1028=; no amino-acid change (threonine 1028 retained).
Molecular consequence: synonymous variant.
Genome position (GRCh38, 1-based): chr14:100,881,705, C>T on the plus strand (G>A on the coding strand, the complement: RTL1 is on the minus strand). VCF-style: chr14-100881705-C-T. GRCh37 (hg19) VCF-style: chr14-101348042-C-T.
Other names: c.3084G>A, p.Thr1028= (NM_001425285.1).
Identifiers: ClinVar variation 5039242 (VCV005039242.1).